The following is an entry in ClinVar:

ClinVar aggregate classification (germline): Conflicting classifications of pathogenicity. Review status: criteria provided, conflicting classifications (1 of 4 stars). 2 submissions from 2 submitters: Uncertain significance (1); Likely benign (1). Last evaluated 2025-12-23.

Conditions:
Cardiovascular phenotype. Identifiers: MedGen CN230736.
Arrhythmogenic cardiomyopathy with wooly hair and keratoderma. Also called: Dilated cardiomyopathy with woolly hair and keratoderma; PALMOPLANTAR KERATODERMA WITH LEFT VENTRICULAR CARDIOMYOPATHY AND WOOLLY HAIR; Arrhythmogenic cardiomyopathy with woolly hair and keratoderma; Carvajal syndrome. Identifiers: Orphanet 65282, MedGen C1854063, MONDO:0011581, OMIM 605676.
Arrhythmogenic right ventricular dysplasia 8 (ARVD8). Also called: Arrhythmogenic Right Ventricular Dysplasia/Cardiomyopathy 8; ARRHYTHMOGENIC RIGHT VENTRICULAR DYSPLASIA, FAMILIAL, 8; ARRHYTHMOGENIC RIGHT VENTRICULAR CARDIOMYOPATHY 8. Identifiers: MedGen C1843896, MONDO:0011831, OMIM 607450.

Allele frequency attached by ClinVar (database versions not stated): gnomAD exomes below 0.00001; gnomAD 0.00001.
gnomAD v4.1: 3 of 1,614,068 alleles (0.00019%); highest among the groups gnomAD compares: African/African-American, 0.004%; no homozygotes.

Submissions (2):

Labcorp Genetics (formerly Invitae), Labcorp
Classification: Likely benign for Arrhythmogenic cardiomyopathy with wooly hair and keratoderma; Arrhythmogenic right ventricular dysplasia 8. Last evaluated: 2025-12-23. Review status: criteria provided, single submitter. Criteria: Invitae Variant Classification Sherloc (09022015). Collection method: clinical testing. Allele origin: germline.

Ambry Genetics
Classification: Uncertain significance for Cardiovascular phenotype. Last evaluated: 2023-05-11. Review status: criteria provided, single submitter. Criteria: Ambry Variant Classification Scheme 2023. Collection method: clinical testing. Allele origin: germline.
Comment: The p.A2296V variant (also known as c.6887C>T), located in coding exon 24 of the DSP gene, results from a C to T substitution at nucleotide position 6887. The alanine at codon 2296 is replaced by valine, an amino acid with similar properties. This amino acid position is conserved. In addition, the in silico prediction for this alteration is inconclusive. Since supporting evidence is limited at this time, the clinical significance of this alteration remains unclear.

NM_004415.4(DSP):c.6887C>T (p.Ala2296Val)

Gene: DSP (desmoplakin; plus strand). Cytogenetic location: 6p24.3.
Variant type: single nucleotide variant.
Coding change: c.6887C>T on transcript NM_004415.4 (MANE Select); coding-DNA position 6887, C replaced by T.
Protein change: p.Ala2296Val; replaces alanine 2296 with valine.
Molecular consequence: missense variant.
Genome position (GRCh38, 1-based): chr6:7,584,149, C>T. VCF-style: chr6-7584149-C-T. GRCh37 (hg19) VCF-style: chr6-7584382-C-T.
Other names: c.5090C>T, p.Ala1697Val (NM_001008844.3); c.5558C>T, p.Ala1853Val (NM_001319034.2); short protein forms A1853V, A2296V, A1697V.
Identifiers: ClinVar variation 2567529 (VCV002567529.3), dbSNP rs1447556321, ClinGen allele CA362691774.